The following is an entry in ClinVar:

NM_007118.4(TRIO):c.7657A>T (p.Ile2553Phe)

Gene: TRIO (trio Rho guanine nucleotide exchange factor; plus strand). Cytogenetic location: 5p15.2.
Variant type: single nucleotide variant.
Coding change: c.7657A>T on transcript NM_007118.4 (MANE Select); coding-DNA position 7657, A replaced by T.
Protein change: p.Ile2553Phe; replaces isoleucine 2553 with phenylalanine.
Molecular consequence: missense variant. On other transcripts: non-coding transcript variant (1).
Genome position (GRCh38, 1-based): chr5:14,492,591, A>T. VCF-style: chr5-14492591-A-T. GRCh37 (hg19) VCF-style: chr5-14492700-A-T.
Other names: short protein forms I2553F.
Identifiers: ClinVar variation 4527648 (VCV004527648.1).
Genomic context (GRCh38, chr5:14,492,591, plus strand): 5'-CCCTGCCTTTCTCTGTCTTCATCTGTCCCTCTGCAGAGTGAAAGCAGCAGCAGTAGCAAC[A>T]TCTCCACCATGTTGGTGACACACGATTACACGGCAGTGAAGGAGGATGAGATCAACGTCT-3'
Protein context (NP_009049.2, residues 2543-2563): NGSESSSSSN[Ile2553Phe]STMLVTHDYT

ClinVar aggregate classification (germline): Uncertain significance (1 of 4 stars; one submission).

Submission:

GeneDx
Classification: Uncertain significance. Last evaluated: 2025-04-30. Review status: criteria provided, single submitter. Criteria: GeneDx Variant Classification Process June 2021. Collection method: clinical testing. Allele origin: germline. Affected: yes.
Comment: Not observed at significant frequency in large population cohorts (gnomAD); In silico analysis indicates that this missense variant does not alter protein structure/function; Has not been previously published as pathogenic or benign to our knowledge